The following is an entry in ClinVar:

ClinVar aggregate classification (germline): Pathogenic (1 of 4 stars; one submission).

Submission:

Genetic Services Laboratory, University of Chicago
Classification: Pathogenic. Last evaluated: 2019-04-12. Review status: criteria provided, single submitter. Criteria: ACMG Guidelines, 2015. Collection method: clinical testing. Allele origin: germline. Affected: yes.
Comment: DNA sequence analysis of the RUNX2 gene demonstrated a 40 base pair insertion in exon 3, c.200_201ins40. This sequence change results in an amino acid frameshift and creates a premature stop codon 101 amino acids downstream of the mutation, p.Glu72Glnfs*102. This pathogenic sequence change is predicted to result in an abnormal transcript, which may be degraded, or may lead to the production of a truncated RUNX2 protein with potentially abnormal function. This specific pathogenic sequence change has not been previously described in patients; however, an insertion of 13 bp, c.207_208ins13 (p.Glu72Glnfs*93), at an adjacent position has been reported in an individual with cleidocranial dysplasia (Ott et al., 2010).

NM_001024630.4(RUNX2):c.200_201insACAGCAGCAGCAGCAGCAGCAGCAGCAGCAGCAACAGCAG (p.Glu72fs)

Genes: RUNX2 (RUNX family transcription factor 2; plus strand), LOC109611589 (runt related transcription factor 2 polyalanine expansion region; plus strand). Cytogenetic location: 6p21.1.
Variant type: Insertion.
Coding change: c.200_201insACAGCAGCAGCAGCAGCAGCAGCAGCAGCAGCAACAGCAG on transcript NM_001024630.4 (MANE Select); coding-DNA positions 200 to 201, ACAGCAGCAGCAGCAGCAGCAGCAGCAGCAGCAACAGCAG inserted.
Protein change: p.Glu72fs; shifts the reading frame from glutamic acid 72.
Molecular consequence: frameshift variant.
Genome position: GRCh38: chr6:45,422,734-45,422,735. GRCh37 (hg19): chr6:45,390,471-45,390,472.
Other names: c.200_201insACAGCAGCAGCAGCAGCAGCAGCAGCAGCAGCAACAGCAG, p.Glu72fs (NM_001015051.4); c.158_159insACAGCAGCAGCAGCAGCAGCAGCAGCAGCAGCAACAGCAG, p.Glu58fs (NM_001278478.2, NM_001369405.1); short protein forms E58fs, E72fs.
Identifiers: ClinVar variation 1338512 (VCV001338512.4), dbSNP rs2150362292, ClinGen allele CA2573052696.